The following is an entry in ClinVar:

ClinVar aggregate classification (germline): Benign/Likely benign. Review status: criteria provided, multiple submitters, no conflicts (2 of 4 stars). 4 submissions from 4 submitters: Benign (1); Likely benign (2). 1 of the submissions does not count toward it. Last evaluated 2025-12-26.

Conditions:
HK1-related disorder. Also called: HK1-related condition; HK1-related disorders.

Allele frequency attached by ClinVar (database versions not stated): gnomAD exomes 0.00012 and 0.00027; ExAC 0.00037; gnomAD 0.00097 and 0.00102; TOPMed 0.00099; 1000 Genomes Project 0.00100; ESP Exome Variant Server 0.00108; 1000 Genomes Project 30x 0.00109.
gnomAD v4.1: 330 of 1,614,166 alleles (0.02%); highest among the groups gnomAD compares: African/African-American, 0.27%; 1 homozygote.

Submissions (4):

Labcorp Genetics (formerly Invitae), Labcorp
Classification: Benign. Last evaluated: 2025-12-26. Review status: criteria provided, single submitter. Criteria: Invitae Variant Classification Sherloc (09022015). Collection method: clinical testing. Allele origin: germline.

ARUP Laboratories, Molecular Genetics and Genomics, ARUP Laboratories
Classification: Likely benign. Last evaluated: 2025-05-07. Review status: criteria provided, single submitter. Criteria: ARUP Molecular Germline Variant Investigation Process 2024. Collection method: clinical testing. Allele origin: germline.

Blueprint Genetics
Classification: Likely benign. Last evaluated: 2024-11-13. Review status: criteria provided, single submitter. Criteria: ACMG Guidelines, 2015. Collection method: clinical testing. Allele origin: germline.

PreventionGenetics, part of Exact Sciences
Classification: Likely benign for HK1-related condition. Last evaluated: 2019-07-18. Review status: no assertion criteria provided. Collection method: clinical testing. Allele origin: germline. Not counted in ClinVar's aggregate classification.
Comment: This variant is classified as likely benign based on ACMG/AMP sequence variant interpretation guidelines (Richards et al. 2015 PMID: 25741868, with internal and published modifications).

NM_000188.3(HK1):c.2226G>A (p.Glu742=)

Gene: HK1 (hexokinase 1; plus strand). Cytogenetic location: 10q22.1.
Variant type: single nucleotide variant.
Coding change: c.2226G>A on transcript NM_000188.3 (MANE Select); coding-DNA position 2226, G replaced by A.
Protein change: p.Glu742=; no amino-acid change (glutamic acid 742 retained).
Molecular consequence: synonymous variant.
Genome position (GRCh38, 1-based): chr10:69,394,956, G>A. VCF-style: chr10-69394956-G-A. GRCh37 (hg19) VCF-style: chr10-71154712-G-A.
Other names: c.2238G>A, p.Glu746= (NM_001322364.2, NM_001358263.1, NM_033497.3 and 1 more transcripts); c.2331G>A, p.Glu777= (NM_001322365.2); c.2142G>A, p.Glu714= (NM_001322366.1); c.2130G>A, p.Glu710= (NM_001322367.1); c.2223G>A, p.Glu741= (NM_033496.3); c.2190G>A, p.Glu730= (NM_033500.2).
Identifiers: ClinVar variation 742281 (VCV000742281.22), dbSNP rs141211718, ClinGen allele CA5532816.